The following is an entry in ClinVar:

NM_001371623.1(TCOF1):c.1864G>A (p.Glu622Lys)

Gene: TCOF1 (treacle ribosome biogenesis factor 1; plus strand). Cytogenetic location: 5q32.
Variant type: single nucleotide variant.
Coding change: c.1864G>A on transcript NM_001371623.1 (MANE Select); coding-DNA position 1864, G replaced by A.
Protein change: p.Glu622Lys; replaces glutamic acid 622 with lysine.
Molecular consequence: missense variant.
Genome position (GRCh38, 1-based): chr5:150,375,880, G>A. VCF-style: chr5-150375880-G-A. GRCh37 (hg19) VCF-style: chr5-149755443-G-A.
Other names: c.1633G>A, p.Glu545Lys (NM_000356.4, NM_001135245.2); c.1864G>A, p.Glu622Lys (NM_001008657.3, NM_001135243.2, NM_001135244.2 and 1 more transcripts); short protein forms E545K, E622K.
Identifiers: ClinVar variation 1337285 (VCV001337285.14), dbSNP rs144872197, ClinGen allele CA3511023.

ClinVar aggregate classification (germline): Likely benign. Review status: criteria provided, multiple submitters, no conflicts (2 of 4 stars). 4 submissions from 4 submitters: Likely benign (3). 1 of the submissions does not count toward it. Last evaluated 2025-11-13.

Conditions:
Treacher Collins syndrome 1 (TCS1). Also called: TCOF1-Related Treacher Collins Syndrome. Identifiers: Orphanet 861, MedGen CN315775, MONDO:0007944, OMIM 154500.
TCOF1-related disorder. Also called: TCOF1-related condition.

Allele frequency attached by ClinVar (database versions not stated): gnomAD exomes 0.00007 and 0.00018; ExAC 0.00018; gnomAD 0.00054 and 0.00057; TOPMed 0.00067; ESP Exome Variant Server 0.00069; 1000 Genomes Project 0.00120; 1000 Genomes Project 30x 0.00125.
gnomAD v4.1: 181 of 1,614,208 alleles (0.011%); highest among the groups gnomAD compares: African/African-American, 0.22%; 2 homozygotes.

Submissions (4):

Labcorp Genetics (formerly Invitae), Labcorp
Classification: Likely benign for Treacher Collins syndrome 1. Last evaluated: 2025-11-13. Review status: criteria provided, single submitter. Criteria: Invitae Variant Classification Sherloc (09022015). Collection method: clinical testing. Allele origin: germline.

Blueprint Genetics
Classification: Likely benign. Last evaluated: 2024-07-30. Review status: criteria provided, single submitter. Criteria: ACMG Guidelines, 2015. Collection method: clinical testing. Allele origin: germline.

Genetic Services Laboratory, University of Chicago
Classification: Likely benign. Last evaluated: 2019-08-02. Review status: criteria provided, single submitter. Criteria: ACMG Guidelines, 2015. Collection method: clinical testing. Allele origin: germline. Affected: no.

PreventionGenetics, part of Exact Sciences
Classification: Likely benign for TCOF1-related condition. Last evaluated: 2019-03-27. Review status: no assertion criteria provided. Collection method: clinical testing. Allele origin: germline. Not counted in ClinVar's aggregate classification.
Comment: This variant is classified as likely benign based on ACMG/AMP sequence variant interpretation guidelines (Richards et al. 2015 PMID: 25741868, with internal and published modifications).